The following is an entry in ClinVar:

ClinVar aggregate classification (germline): Likely benign (1 of 4 stars; one submission).

Allele frequency attached by ClinVar (database versions not stated): ExAC 0.00008; gnomAD 0.00009; TOPMed 0.00009.
gnomAD v4.1: 85 of 1,614,114 alleles (0.0053%); highest among the groups gnomAD compares: South Asian, 0.0055%; no homozygotes.

Submission:

CeGaT Center for Human Genetics Tuebingen
Classification: Likely benign. Last evaluated: 2022-09-01. Review status: criteria provided, single submitter. Criteria: CeGaT Center For Human Genetics Tuebingen Variant Classification Criteria Version 2. Collection method: clinical testing. Allele origin: germline. Affected: yes. Observed: 1 variant allele.
Comment: LRP1: BP4, BP7

NM_002332.3(LRP1):c.4455G>A (p.Thr1485=)

Gene: LRP1 (LDL receptor related protein 1; plus strand). Cytogenetic location: 12q13.3.
Variant type: single nucleotide variant.
Coding change: c.4455G>A on transcript NM_002332.3 (MANE Select); coding-DNA position 4455, G replaced by A.
Protein change: p.Thr1485=; no amino-acid change (threonine 1485 retained).
Molecular consequence: synonymous variant.
Genome position (GRCh38, 1-based): chr12:57,178,452, G>A. VCF-style: chr12-57178452-G-A. GRCh37 (hg19) VCF-style: chr12-57572235-G-A.
Identifiers: ClinVar variation 2643116 (VCV002643116.24), dbSNP rs200750193, ClinGen allele CA6643291.
Genomic context (GRCh38, chr12:57,178,452, plus strand): 5'-CTCTGGCCACATGGAGGTGCTTCGGGGACACGAGTTCCTGTCGCACCCGTTTGCAGTGAC[G>A]CTGTACGGGGGGGAGGTCTACTGGACTGACTGGCGAACAAACACACTGGCTAAGGCCAAC-3'
Protein context (NP_002323.2, residues 1475-1495): HEFLSHPFAV[Thr1485=]LYGGEVYWTD